The following is an entry in ClinVar:

NM_198721.4(COL25A1):c.1198G>A (p.Gly400Arg)

Gene: COL25A1 (collagen type XXV alpha 1 chain; minus strand). Cytogenetic location: 4q25.
Variant type: single nucleotide variant.
Coding change: c.1198G>A on transcript NM_198721.4 (MANE Select); coding-DNA position 1198, G replaced by A.
Protein change: p.Gly400Arg; replaces glycine 400 with arginine.
Molecular consequence: missense variant. On other transcripts: non-coding transcript variant (1).
Genome position (GRCh38, 1-based): chr4:108,860,971, C>T on the plus strand (G>A on the coding strand, the complement: COL25A1 is on the minus strand). VCF-style: chr4-108860971-C-T. GRCh37 (hg19) VCF-style: chr4-109782127-C-T.
Other names: p.Gly400Arg; c.1141G>A, p.Gly381Arg (NM_001256074.3); c.1198G>A, p.Gly400Arg (NM_032518.4); short protein forms G381R, G400R.
Identifiers: ClinVar variation 4688029 (VCV004688029.1).

ClinVar aggregate classification (germline): Likely pathogenic (1 of 4 stars; one submission).

Conditions:
Fibrosis of extraocular muscles, congenital, 5 (CFEOM5). Identifiers: Orphanet 233, Orphanet 91411, MedGen C4015552, MONDO:0014538, OMIM 616219.

Submission:

Department of Molecular Genetics, Istishari Arab Hospital
Classification: Likely pathogenic for Fibrosis of extraocular muscles, congenital, 5. Last evaluated: 2026-01-29. Review status: criteria provided, single submitter. Criteria: ACMG Guidelines, 2015. Collection method: clinical testing. Allele origin: germline. Inheritance: Autosomal recessive inheritance. Affected: yes.
Comment: The COL25A1 variant c.1198G>A, p.Gly400Arg causes an amino acid change from Gly to Arg at position 400. This variant has been described as disease-causing for arthrogryposis multiplex congenita (PMID: 35077597, 40158061). It is classified as Likely Pathogenic (class 2) according to the recommendations of ACMG.

Literature cited by the submitters: PubMed 35077597; PubMed 40158061.